The following is an entry in ClinVar:

NM_000368.5(TSC1):c.873T>C (p.Asp291=)

Gene: TSC1 (TSC complex subunit 1; minus strand). Cytogenetic location: 9q34.13.
Variant type: single nucleotide variant.
Coding change: c.873T>C on transcript NM_000368.5 (MANE Select); coding-DNA position 873, T replaced by C.
Protein change: p.Asp291=; no amino-acid change (aspartic acid 291 retained).
Molecular consequence: synonymous variant.
Genome position (GRCh38, 1-based): chr9:132,912,322, A>G on the plus strand (T>C on the coding strand, the complement: TSC1 is on the minus strand). VCF-style: chr9-132912322-A-G. GRCh37 (hg19) VCF-style: chr9-135787709-A-G.
Other names: c.873T>C, p.Asp291= (NM_001162426.2); c.720T>C, p.Asp240= (NM_001162427.2); c.510T>C, p.Asp170= (NM_001362177.2).
Identifiers: ClinVar variation 703674 (VCV000703674.15), dbSNP rs753928162, ClinGen allele CA039300.
Genomic context (GRCh38, chr9:132,912,322, plus strand): 5'-GTACCAAAGACACTTTTTACCATAGCTATTCTGTGTGTCAGCATAAGGGCTGGTGGTGAC[A>G]TCGGCTGAACGATGAGGAAAGCGGGCTGAGATTTGGTGAGACACAGAATAGCCATCTTCA-3'
Protein context (NP_000359.1, residues 281-301): ISARFPHRSA[Asp291=]VTTSPYADTQ

ClinVar aggregate classification (germline): Benign/Likely benign. Review status: criteria provided, multiple submitters, no conflicts (2 of 4 stars). 4 submissions from 4 submitters: Benign (1); Likely benign (3). Last evaluated 2026-01-18.

Conditions:
Hereditary cancer-predisposing syndrome. Also called: Tumor predisposition; Hereditary neoplastic syndrome; Neoplastic Syndromes, Hereditary; Hereditary Cancer Syndrome. Identifiers: Orphanet 140162, MedGen C0027672, MeSH D009386, MONDO:0015356.
Tuberous sclerosis syndrome (TSC). Also called: Tuberous Sclerosis Complex; Tuberous sclerosis. Identifiers: Orphanet 805, MedGen C0041341, MONDO:0001734.
Tuberous sclerosis 1 (TSC1). Identifiers: Orphanet 805, MedGen C1854465, MONDO:0008612, OMIM 191100.

Allele frequency attached by ClinVar (database versions not stated): gnomAD exomes below 0.00001 and 0.00001; ExAC 0.00002.

Submissions (4):

Labcorp Genetics (formerly Invitae), Labcorp
Classification: Likely benign for Tuberous sclerosis 1. Last evaluated: 2026-01-18. Review status: criteria provided, single submitter. Criteria: Invitae Variant Classification Sherloc (09022015). Collection method: clinical testing. Allele origin: germline.

Myriad Genetics, Inc.
Classification: Benign for Tuberous sclerosis 1. Last evaluated: 2025-04-08. Review status: criteria provided, single submitter. Criteria: Myriad Autosomal Dominant, Autosomal Recessive and X-Linked Classification Criteria (2023). Collection method: clinical testing. Allele origin: unknown.
Comment: This variant is considered benign. This variant is a silent/synonymous amino acid change and it is not expected to impact splicing.

All of Us Research Program, National Institutes of Health
Classification: Likely benign for Tuberous sclerosis syndrome. Last evaluated: 2023-07-22. Review status: criteria provided, single submitter. Criteria: ACMG Guidelines, 2015. Collection method: clinical testing. Allele origin: germline. Inheritance: Autosomal dominant inheritance. Observed: 1 variant allele, 1 heterozygote.
Comment: This study involves interpretation of variants in research participants for the purpose of population health screening. Participant phenotype was not available at the time of variant classification. Additional details can be found in publication PMID: 35346344, PMCID: PMC8962531

Ambry Genetics
Classification: Likely benign for Hereditary cancer-predisposing syndrome. Last evaluated: 2020-04-09. Review status: criteria provided, single submitter. Criteria: Ambry Variant Classification Scheme 2023. Collection method: clinical testing. Allele origin: germline.